The following is an entry in ClinVar:

NM_000318.3(PEX2):c.467T>C (p.Ile156Thr)

Gene: PEX2 (peroxisomal biogenesis factor 2; minus strand). Cytogenetic location: 8q21.13.
Variant type: single nucleotide variant.
Coding change: c.467T>C on transcript NM_000318.3 (MANE Select); coding-DNA position 467, T replaced by C.
Protein change: p.Ile156Thr; replaces isoleucine 156 with threonine.
Molecular consequence: missense variant.
Genome position (GRCh38, 1-based): chr8:76,983,712, A>G on the plus strand (T>C on the coding strand, the complement: PEX2 is on the minus strand). VCF-style: chr8-76983712-A-G. GRCh37 (hg19) VCF-style: chr8-77895948-A-G.
Other names: c.467T>C, p.Ile156Thr (NM_001079867.2, NM_001172086.2, NM_001172087.2); short protein forms I156T.
Identifiers: ClinVar variation 4996058 (VCV004996058.1).
Genomic context (GRCh38, chr8:76,983,712, plus strand): 5'-ACAGAATGAATACCTAGGAGACGTTCTGTCAAAGTTGCAAACTTTCCCCTCTGAAGGAAA[A>G]TCAAAAAATTAATCAGCCCACCTAATTTCAAAAGTCCAATCACAAAATTCACACACTGCT-3'
Protein context (NP_000309.2, residues 146-166): LKLGGLINFL[Ile156Thr]FLQRGKFATL

ClinVar aggregate classification (germline): Uncertain significance (1 of 4 stars; one submission).

Conditions:
PEX2-related disorder. Also called: PEX2-related condition.

gnomAD v4.1: 3 of 1,613,988 alleles (0.00019%); highest among the groups gnomAD compares: African/African-American, 0.004%; no homozygotes.

Submission:

PreventionGenetics, part of Exact Sciences
Classification: Uncertain significance for PEX2-related condition. Last evaluated: 2026-02-26. Review status: criteria provided, single submitter. Criteria: ACMG Guidelines, 2015. Collection method: clinical testing. Allele origin: germline.
Comment: The PEX2 c.467T>C variant is predicted to result in the amino acid substitution p.Ile156Thr. To our knowledge, this variant has not been reported in the literature. This variant is reported in 0.011% of alleles in individuals of African descent in gnomAD. At this time, the clinical significance of this variant is uncertain due to the absence of conclusive functional and genetic evidence.